The following is an entry in ClinVar:

NM_000701.8(ATP1A1):c.14T>C (p.Val5Ala)

Gene: ATP1A1 (ATPase Na+/K+ transporting subunit alpha 1; plus strand). Cytogenetic location: 1p13.1.
Variant type: single nucleotide variant.
Coding change: c.14T>C on transcript NM_000701.8 (MANE Select); coding-DNA position 14, T replaced by C.
Protein change: p.Val5Ala; replaces valine 5 with alanine.
Molecular consequence: missense variant. On other transcripts: 5 prime UTR variant (1).
Genome position (GRCh38, 1-based): chr1:116,384,015, T>C. VCF-style: chr1-116384015-T-C. GRCh37 (hg19) VCF-style: chr1-116926637-T-C.
Other names: c.14T>C, p.Val5Ala (NM_001160233.2); c.-80T>C (NM_001160234.2); c.14T>C (NM_001160233.1); short protein forms V5A.
Identifiers: ClinVar variation 1364803 (VCV001364803.7), dbSNP rs780694923, ClinGen allele CA1025000.

ClinVar aggregate classification (germline): Uncertain significance. Review status: criteria provided, multiple submitters, no conflicts (2 of 4 stars). 2 submissions from 2 submitters: Uncertain significance (2). Last evaluated 2025-11-10.

Conditions:
Inborn genetic diseases. Identifiers: MedGen C0950123, MeSH D030342.

Allele frequency attached by ClinVar (database versions not stated): gnomAD exomes 0.00001; ExAC 0.00002.
gnomAD v4.1: 9 of 1,613,772 alleles (0.00056%); highest among the groups gnomAD compares: Non-Finnish European, 0.00076%; no homozygotes.

Submissions (2):

Labcorp Genetics (formerly Invitae), Labcorp
Classification: Uncertain significance. Last evaluated: 2025-11-10. Review status: criteria provided, single submitter. Criteria: Invitae Variant Classification Sherloc (09022015). Collection method: clinical testing. Allele origin: germline.
Comment: This sequence change replaces valine, which is neutral and non-polar, with alanine, which is neutral and non-polar, at codon 5 of the ATP1A1 protein (p.Val5Ala). This variant is present in population databases (rs780694923, gnomAD 0.003%). This variant has not been reported in the literature in individuals affected with ATP1A1-related conditions. ClinVar contains an entry for this variant (Variation ID: 1364803). Invitae Evidence Modeling of protein sequence and biophysical properties (such as structural, functional, and spatial information, amino acid conservation, physicochemical variation, residue mobility, and thermodynamic stability) indicates that this missense variant is not expected to disrupt ATP1A1 protein function with a negative predictive value of 95%. In summary, the available evidence is currently insufficient to determine the role of this variant in disease. Therefore, it has been classified as a Variant of Uncertain Significance.

Ambry Genetics
Classification: Uncertain significance for Inborn genetic diseases. Last evaluated: 2023-04-26. Review status: criteria provided, single submitter. Criteria: Ambry Variant Classification Scheme 2023. Collection method: clinical testing. Allele origin: germline.